The following is an entry in ClinVar:

NM_020458.4(TTC7A):c.2126C>T (p.Thr709Met)

Gene: TTC7A (tetratricopeptide repeat domain 7A; plus strand). Cytogenetic location: 2p21.
Variant type: single nucleotide variant.
Coding change: c.2126C>T on transcript NM_020458.4 (MANE Select); coding-DNA position 2126, C replaced by T.
Protein change: p.Thr709Met; replaces threonine 709 with methionine.
Molecular consequence: missense variant.
Genome position (GRCh38, 1-based): chr2:47,051,854, C>T. VCF-style: chr2-47051854-C-T. GRCh37 (hg19) VCF-style: chr2-47278993-C-T.
Other names: c.2198C>T, p.Thr733Met (NM_001288951.2); c.2024C>T, p.Thr675Met (NM_001288953.2); c.1064C>T, p.Thr355Met (NM_001288955.2); c.2126C>T (NM_020458.2); short protein forms T709M, T355M, T675M, T733M.
Identifiers: ClinVar variation 839886 (VCV000839886.7), dbSNP rs376309617, ClinGen allele CA1648020.

ClinVar aggregate classification (germline): Uncertain significance. Review status: criteria provided, multiple submitters, no conflicts (2 of 4 stars). 3 submissions from 3 submitters: Uncertain significance (3). Last evaluated 2025-08-02.

Conditions:
Inborn genetic diseases. Identifiers: MedGen C0950123, MeSH D030342.
Multiple gastrointestinal atresias. Also called: FAMILIAL INTESTINAL POLYATRESIA SYNDROME; Multiple intestinal atresia. Identifiers: Orphanet 2300, MedGen C0220744, MONDO:0009465.

Allele frequency attached by ClinVar (database versions not stated): ExAC 0.00004; gnomAD exomes 0.00004; TOPMed 0.00005; gnomAD 0.00007 and 0.00008; ESP Exome Variant Server 0.00008; 1000 Genomes Project 30x 0.00031; 1000 Genomes Project 0.00040.
gnomAD v4.1: 69 of 1,611,512 alleles (0.0043%); highest among the groups gnomAD compares: Middle Eastern, 0.02%; no homozygotes.

Submissions (3):

Ambry Genetics
Classification: Uncertain significance for Inborn genetic diseases. Last evaluated: 2025-08-02. Review status: criteria provided, single submitter. Criteria: Ambry Variant Classification Scheme 2023. Collection method: clinical testing. Allele origin: germline.

Blueprint Genetics
Classification: Uncertain significance. Last evaluated: 2024-08-13. Review status: criteria provided, single submitter. Criteria: ACMG Guidelines, 2015. Collection method: clinical testing. Allele origin: germline.

Labcorp Genetics (formerly Invitae), Labcorp
Classification: Uncertain significance for Multiple gastrointestinal atresias. Last evaluated: 2022-08-12. Review status: criteria provided, single submitter. Criteria: Invitae Variant Classification Sherloc (09022015). Collection method: clinical testing. Allele origin: germline.
Comment: This sequence change replaces threonine, which is neutral and polar, with methionine, which is neutral and non-polar, at codon 709 of the TTC7A protein (p.Thr709Met). This variant is present in population databases (rs376309617, gnomAD 0.02%). This variant has not been reported in the literature in individuals affected with TTC7A-related conditions. ClinVar contains an entry for this variant (Variation ID: 839886). Algorithms developed to predict the effect of missense changes on protein structure and function are either unavailable or do not agree on the potential impact of this missense change (SIFT: "Tolerated"; PolyPhen-2: "Possibly Damaging"; Align-GVGD: "Class C0"). In summary, the available evidence is currently insufficient to determine the role of this variant in disease. Therefore, it has been classified as a Variant of Uncertain Significance.